The following is an entry in ClinVar:

NM_015459.5(ATL3):c.445A>G (p.Ser149Gly)

Genes: ATL3 (atlastin GTPase 3; minus strand), LNCROPM (lncRNA regulator of PLAAT3 mediated phospholipid metabolism; plus strand). Cytogenetic location: 11q13.1.
Variant type: single nucleotide variant.
Coding change: c.445A>G on transcript NM_015459.5 (MANE Select); coding-DNA position 445, A replaced by G.
Protein change: p.Ser149Gly; replaces serine 149 with glycine.
Molecular consequence: missense variant.
Genome position (GRCh38, 1-based): chr11:63,652,536, T>C on the plus strand (A>G on the coding strand, the complement: ATL3 is on the minus strand). VCF-style: chr11-63652536-T-C. GRCh37 (hg19) VCF-style: chr11-63420008-T-C.
Other names: c.391A>G, p.Ser131Gly (NM_001290048.2); short protein forms S131G, S149G.
Identifiers: ClinVar variation 2042251 (VCV002042251.4), dbSNP rs954188258, ClinGen allele CA223748163.
Genomic context (GRCh38, chr11:63,652,536, plus strand): 5'-CAGAACTAGTCATAGTGCTTAGAGCAAAGATGGTAGCACAGTCTTTCACAGTTGACTGGC[T>C]GTCAAATGCCCCCTGGGTATCCATCAGAACAACTGCAACCTAAAAAAAAGGAAAATACAA-3'
Protein context (NP_056274.3, residues 139-159): VLMDTQGAFD[Ser149Gly]QSTVKDCATI

ClinVar aggregate classification (germline): Uncertain significance (1 of 4 stars; one submission).

Conditions:
Neuropathy, hereditary sensory, type 1F. Also called: Hereditary sensory neuropathy type IF; HSN IF. Identifiers: Orphanet 36386, MedGen C3810194, MONDO:0014286, OMIM 615632.

Allele frequency attached by ClinVar (database versions not stated): gnomAD exomes below 0.00001; gnomAD 0.00001; TOPMed 0.00002.
gnomAD v4.1: 3 of 1,612,068 alleles (0.00019%); highest among the groups gnomAD compares: African/African-American, 0.004%; no homozygotes.

Submission:

Labcorp Genetics (formerly Invitae), Labcorp
Classification: Uncertain significance for Neuropathy, hereditary sensory, type 1F. Last evaluated: 2024-01-28. Review status: criteria provided, single submitter. Criteria: Invitae Variant Classification Sherloc (09022015). Collection method: clinical testing. Allele origin: germline.
Comment: This sequence change replaces serine, which is neutral and polar, with glycine, which is neutral and non-polar, at codon 149 of the ATL3 protein (p.Ser149Gly). This variant is present in population databases (no rsID available, gnomAD 0.01%). This variant has not been reported in the literature in individuals affected with ATL3-related conditions. ClinVar contains an entry for this variant (Variation ID: 2042251). Advanced modeling of protein sequence and biophysical properties (such as structural, functional, and spatial information, amino acid conservation, physicochemical variation, residue mobility, and thermodynamic stability) performed at Invitae indicates that this missense variant is not expected to disrupt ATL3 protein function with a negative predictive value of 80%. In summary, the available evidence is currently insufficient to determine the role of this variant in disease. Therefore, it has been classified as a Variant of Uncertain Significance.